The following is an entry in ClinVar:

ClinVar aggregate classification (germline): Likely pathogenic (3 of 4 stars; one submission).

Conditions:
Open-angle glaucoma. Identifiers: MedGen C0017612, MONDO:0005338, HP:0012108.

Submission:

ClinGen Glaucoma Variant Curation Expert Panel
Classification: Likely pathogenic for Open-angle glaucoma. Last evaluated: 2026-02-04. Review status: reviewed by expert panel. Criteria: ClinGen Glaucoma ACMG Specifications V2.0.0 Approved. Collection method: curation. Allele origin: germline. Inheritance: Autosomal dominant inheritance.
Comment: The c.1187_1189dup variant in MYOC is predicted to cause a change in the length of the protein due to an in-frame insertion of 1 amino acid (p.Glu396dup). This variant is predicted to involve < 10% of the protein within the conserved olfactomedin domain, meeting PM4_Supporting. This variant was not found in any genetic ancestry group of gnomAD (v4.1.0), meeting the ≤ 0.0001 threshold set for PM2_Supporting in a genetic ancestry group of at least 10,000 alleles. There was no computational evidence predicting a damaging or benign impact of this variant on MYOC function. The Glu396dup protein had increased insolubility and reduced secretion levels compared to wild type myocilin protein in these studies (PMIDs: 16466712, 35196929). The assays met the OddsPath threshold for PS3_Moderate (> 4.3), indicating that this variant did impact protein function. 5 segregations in 1 family, with juvenile or primary open angle glaucoma (JOAG or POAG), have been reported (PMID: 9535666), which fulfilled PP1_Moderate (5-6 meioses). Only 1 proband with JOAG had been reported (PMID: 9535666), not meeting the ≥ 2 probands threshold required to meet PS4_Supporting. In summary, this variant met the criteria to receive a score of 6 and to be classified as likely pathogenic (likely pathogenic classification range 6 to 9, adapted from PMID: 32720330) for juvenile open angle glaucoma based on the ACMG/AMP criteria met, as specified by the ClinGen Glaucoma VCEP (v2.0.0, 5 Dec 2024): PS3_Moderate, PP1_Moderate, PM2_Supporting, PM4_Supporting.

Literature cited by the submitters: PubMed 16466712; PubMed 35196929.

NM_000261.2(MYOC):c.1187_1189dup (p.Glu396dup)

Gene: MYOC (myocilin; minus strand). Cytogenetic location: 1q24.3.
Variant type: Duplication.
Coding change: c.1187_1189dup on transcript NM_000261.2 (MANE Select); coding-DNA positions 1187 to 1189, 3 bases duplicated (AGG; older notation c.1187_1189dupAGG).
Protein change: p.Glu396dup; duplicates glutamic acid 396.
Molecular consequence: inframe insertion.
Genome position (GRCh38, 1-based): chr1:171,636,251-171,636,253, CCT duplicated on the plus strand (AGG on the coding strand, the reverse complement: MYOC is on the minus strand); duplicating any 3 consecutive bases within chr1:171,636,251-171,636,254 gives the same sequence; the c. name uses the placement nearest the transcript's 3' end. VCF-style (leftmost placement, unchanged base first): chr1-171636250-G-GCCT. GRCh37 (hg19) VCF-style: chr1-171605390-G-GCCT.
Other names: NM_000261.2:c.1187_1189dup.
Identifiers: ClinVar variation 1686795 (VCV001686795.4), dbSNP rs2102944606, ClinGen allele CA1139532728.
Genomic context (GRCh38, chr1:171,636,250, plus strand): 5'-CAGGTTTGTTCGAGTTCCAGATTCTCTGGGTTCAGTTTGGAGAGGACAATGGCACCTTTG[G>GCCT]CCTCATCGGTGCTGTAAATGACCCAGAGGCCTGCTTCATCCACAGCCAAGTCAATGTCCG-3'